The following continues an entry in ClinVar:

NM_000552.5(VWF):c.4120C>T (p.Arg1374Cys)

Gene: VWF. ClinVar aggregate classification (germline): Pathogenic. Pathogenic (13).

Submissions 9 to 16 of 16:

Genetics and Molecular Pathology, SA Pathology
Classification: Pathogenic for von Willebrand disease type 2. Last evaluated: 2023-06-05. Review status: criteria provided, single submitter. Criteria: ACMG Guidelines, 2015. Collection method: clinical testing. Allele origin: germline. Affected: yes.
Comment: The VWF c.4120C>T variant is classified as PATHOGENIC (PS4_Mod, PM2_supp, PM5, PS3, PP1_Moderate) The VWF c.4120C>T variant is a single nucleotide change in exon 28/52 of the VWF gene, which is predicted to change the amino acid arginine at position 1374 in the protein to cysteine. The variant has been reported in multiple individuals with a clinical presentation of bleeding disorders and low VWF activity to antigen ratios (PMID: 35307943, 34758185, 30817071, 31064749) (PS4_Mod). This variant is rare in population databases (gnomAD allele frequency = 0.00065%; 1 het and 0 hom in 152152 sequenced alleles) (PM2_Supp) and co-segregates with disease (PMID:16247740) (PP1_moderate). This variant is a missense change at an amino acid residue where different missense changes (p.Arg1374His, p.Arg1374Cys, p.Arg1374Leu, p.Arg1374Ser) have been seen before (PM5). in vitro and in vivo studies showed that the variant results in decreased VWF synthesis and impaired GPIb binding (PMID:28544236, 11150026) (PS3). The variant has been reported in dbSNP (rs61750071) and in the HGMD database: CM951304. It has also been reported as Pathogenic by other diagnostic laboratories (ClinVar Variation ID: 100329).

Laboratory of Hematology, Radboud University Medical Center
Classification: Pathogenic for von Willebrand disease type 2. Last evaluated: 2022-01-21. Review status: criteria provided, single submitter. Criteria: ACMG Guidelines, 2015. Collection method: research. Allele origin: germline. Affected: yes. Observed: 7 variant alleles. Study: WIN study.

Victorian Clinical Genetics Services, Murdoch Childrens Research Institute
Classification: Pathogenic for Hereditary von Willebrand disease. Last evaluated: 2020-05-25. Review status: criteria provided, single submitter. Criteria: ACMG Guidelines, 2015. Collection method: clinical testing. Allele origin: germline. Affected: yes.
Comment: Based on the classification scheme VCGS_Germline_v1.1.1, this variant is classified as Pathogenic. Following criteria are met: 0102 - Loss-of-function is a known mechanism of disease for this gene. (N) 0104 - Dominant Negative is a mechanism of disease for this gene. (N) 0108 - This gene is known to be associated with both recessive and dominant disease (OMIM). (N) 0200 - Variant is predicted to result in a missense amino acid change from arginine to cysteine (exon 28). (N) 0251 - Variant is heterozygous. (N) 0302 - Variant is present in gnomAD <0.001 for a dominant condition (1 heterozygote, 0 homozygotes). (P) 0501 - Missense variant consistently predicted to be damaging by multiple in silico tools or highly conserved with a major amino acid change. (P) 0600 - Variant is located in an annotated domain or motif (VWF type A domain; NCBI, PDB). (N) 0801 - Strong previous evidence of pathogenicity in unrelated individuals. This variant has been reported as pathogenic (ClinVar) and in more than 5 unrelated patients with type 2A or 2M von Willebrand disease (PMIDs: 16247740, 27414491, 30349898). (P) 1208 - Inheritance information for this variant is not currently available. (N) Legend: (P) - Pathogenic, (N) - Neutral, (B) - Benign

NIHR Bioresource Rare Diseases, University of Cambridge
Classification: Pathogenic for von Willebrand disorder. Last evaluated: 2019-02-01. Review status: criteria provided, single submitter. Criteria: ACMG Guidelines, 2015. Collection method: research. Allele origin: unknown. Affected: yes. Observed: 4 heterozygotes. Study: ThromboGenomics.

ISTH-SSC Genomics in Thrombosis and Hemostasis, KU Leuven, Center for Molecular and Vascular Biology
Classification: Pathogenic for von Willebrand disease type 2. Review status: criteria provided, single submitter. Criteria: ACMG Guidelines, 2015. Collection method: clinical testing. Allele origin: unknown. Affected: yes.
Comment: Submitted to GoldVariant by Kathleen Freson, Center for Molecular and Vascular Biology, Leuven, Belgium

Angelo Bianchi Bonomi Hemophilia and Thrombosis Center, Fondazione IRCCS Ca Granda Ospedale Maggiore Policlinico
Classification: Pathogenic for von Willebrand disease type 2. Last evaluated: 2022-04-26. Review status: no assertion criteria provided. Collection method: clinical testing. Allele origin: germline. Affected: yes. Not counted in ClinVar's aggregate classification.

Clinical Molecular Genetics Laboratory, Johns Hopkins All Children's Hospital
Classification: Pathogenic for von Willebrand disorder. Last evaluated: 2007-07-13. Review status: no assertion criteria provided. Collection method: clinical testing. Allele origin: germline. Affected: yes. Not counted in ClinVar's aggregate classification.

Academic Unit of Haematology, University of Sheffield
No classification provided. Review status: no classification provided. Collection method: not provided. Allele origin: not provided. Not counted in ClinVar's aggregate classification.

Literature cited by the submitters: PubMed 16247740 (cited by 5 submitters); PubMed 22102201 (cited by Mayo Clinic Laboratories, Mayo Clinic); PubMed 23290978 (cited by Mayo Clinic Laboratories, Mayo Clinic); PubMed 23340442 (cited by Mayo Clinic Laboratories, Mayo Clinic and Quest Diagnostics Nichols Institute San Juan Capistrano); PubMed 27414491 (cited by 4 submitters); PubMed 28544236 (cited by 3 submitters); PubMed 30349898 (cited by Mayo Clinic Laboratories, Mayo Clinic and Victorian Clinical Genetics Services, Murdoch Childrens Research Institute); PubMed 30817071 (cited by 3 submitters); PubMed 31939074 (cited by Mayo Clinic Laboratories, Mayo Clinic); PubMed 35452508 (cited by Mayo Clinic Laboratories, Mayo Clinic); PubMed 38315875 (cited by 3 submitters); PubMed 7620154 (cited by 3 submitters); PubMed 39002731 (cited by Quest Diagnostics Nichols Institute San Juan Capistrano); PubMed 19277422 (cited by Quest Diagnostics Nichols Institute San Juan Capistrano); PubMed 21534937 (cited by Quest Diagnostics Nichols Institute San Juan Capistrano); PubMed 22473027 (cited by Quest Diagnostics Nichols Institute San Juan Capistrano); PubMed 16985174 (cited by Quest Diagnostics Nichols Institute San Juan Capistrano); PubMed 11150026 (cited by Quest Diagnostics Nichols Institute San Juan Capistrano and Genetics and Molecular Pathology, SA Pathology); PubMed 35307943 (cited by 3 submitters); PubMed 34758185 (cited by Quest Diagnostics Nichols Institute San Juan Capistrano and Genetics and Molecular Pathology, SA Pathology); PubMed 31064749 (cited by 3 submitters); PubMed 37872709 (cited by Quest Diagnostics Nichols Institute San Juan Capistrano); PubMed 37647632 (cited by Quest Diagnostics Nichols Institute San Juan Capistrano); PubMed 33556167 (cited by Quest Diagnostics Nichols Institute San Juan Capistrano); PubMed 28971901 (cited by Center for Genomic Medicine, Rigshospitalet, Copenhagen University Hospital); PubMed 34355501 (cited by ISTH-SSC Genomics in Thrombosis and Hemostasis, KU Leuven, Center for Molecular and Vascular Biology).